The following is an entry in ClinVar:

NM_006031.6(PCNT):c.9285G>A (p.Arg3095=)

Gene: PCNT (pericentrin; plus strand). Cytogenetic location: 21q22.3.
Variant type: single nucleotide variant.
Coding change: c.9285G>A on transcript NM_006031.6 (MANE Select); coding-DNA position 9285, G replaced by A.
Protein change: p.Arg3095=; no amino-acid change (arginine 3095 retained).
Molecular consequence: synonymous variant.
Genome position (GRCh38, 1-based): chr21:46,440,094, G>A. VCF-style: chr21-46440094-G-A. GRCh37 (hg19) VCF-style: chr21-47860007-G-A.
Other names: c.8694G>A, p.Arg2898= (NM_001315529.2); c.9285G>A (NM_006031.5).
Identifiers: ClinVar variation 3003527 (VCV003003527.4), dbSNP rs748429365, ClinGen allele CA10081279.
Genomic context (GRCh38, chr21:46,440,094, plus strand): 5'-CTTGTTGACGAGCAGCTCTGTAGACAGCGCTGGCTGTGCTTCCTTACAGAGGTCGGAAAG[G>A]TCTGCTTGGAAGCCAGACGAAACGGCTCCACAGAGTTCCCTGAGGCGCCCAGACCCCGGC-3'
Protein context (NP_006022.3, residues 3085-3105): QKGCSPSRSE[Arg3095=]SAWKPDETAP

ClinVar aggregate classification (germline): Likely benign. Review status: criteria provided, multiple submitters, no conflicts (2 of 4 stars). 2 submissions from 2 submitters: Likely benign (2). Last evaluated 2026-01-20.

Conditions:
PCNT-related disorder. Also called: PCNT-related condition.

gnomAD v4.1: 13 of 1,614,006 alleles (0.00081%); highest among the groups gnomAD compares: Non-Finnish European, 0.0011%; no homozygotes.

Submissions (2):

PreventionGenetics, part of Exact Sciences
Classification: Likely benign for PCNT-related condition. Last evaluated: 2026-01-20. Review status: criteria provided, single submitter. Criteria: ACMG Guidelines, 2015. Collection method: clinical testing. Allele origin: germline.
Comment: This variant is classified as likely benign based on ACMG/AMP sequence variant interpretation guidelines (Richards et al. 2015 PMID: 25741868, with internal and published modifications).

Labcorp Genetics (formerly Invitae), Labcorp
Classification: Likely benign. Last evaluated: 2023-12-24. Review status: criteria provided, single submitter. Criteria: Invitae Variant Classification Sherloc (09022015). Collection method: clinical testing. Allele origin: germline.